The following is an entry in ClinVar:

ClinVar aggregate classification (germline): Uncertain significance (1 of 4 stars; one submission).

Submission:

GeneDx
Classification: Uncertain significance. Last evaluated: 2024-11-06. Review status: criteria provided, single submitter. Criteria: GeneDx Variant Classification Process June 2021. Collection method: clinical testing. Allele origin: germline. Affected: yes.
Comment: In silico analysis supports that this missense variant has a deleterious effect on protein structure/function; Not observed at significant frequency in large population cohorts (gnomAD); This variant is associated with the following publications: (PMID: 19759016, 11967008)

NM_001009944.3(PKD1):c.6275A>G (p.Tyr2092Cys)

Gene: PKD1 (polycystin 1, transient receptor potential channel interacting; minus strand). Cytogenetic location: 16p13.3.
Variant type: single nucleotide variant.
Coding change: c.6275A>G on transcript NM_001009944.3 (MANE Select); coding-DNA position 6275, A replaced by G.
Protein change: p.Tyr2092Cys; replaces tyrosine 2092 with cysteine.
Molecular consequence: missense variant.
Genome position (GRCh38, 1-based): chr16:2,108,892, T>C on the plus strand (A>G on the coding strand, the complement: PKD1 is on the minus strand). VCF-style: chr16-2108892-T-C. GRCh37 (hg19) VCF-style: chr16-2158893-T-C.
Other names: c.6275A>G, p.Tyr2092Cys (NM_000296.4); short protein forms Y2092C.
Identifiers: ClinVar variation 3899046 (VCV003899046.1).
Genomic context (GRCh38, chr16:2,108,892, plus strand): 5'-TGCTCGGCCCTGGGCTCATCTGTGTCCTGCCCTGGCGACCCATCCCCAAAGTCCCAGTGG[T>C]AGGCCACACGCCGGGGGCTGGGGCTGGTGGCGGCCTCAAACTGCGCCGAGCGGTTGGTGA-3'
Protein context (NP_001009944.3, residues 2082-2102): ATSPSPRRVA[Tyr2092Cys]HWDFGDGSPG